The following is an entry in ClinVar:

NM_170606.3(KMT2C):c.2829_2832dup (p.Val945fs)

Gene: KMT2C (lysine methyltransferase 2C; minus strand). Cytogenetic location: 7q36.1.
Variant type: Duplication.
Coding change: c.2829_2832dup on transcript NM_170606.3 (MANE Select); coding-DNA positions 2829 to 2832, 4 bases duplicated (AGTT; older notation c.2829_2832dupAGTT).
Protein change: p.Val945fs; shifts the reading frame from valine 945.
Molecular consequence: frameshift variant.
Genome position (GRCh38, 1-based): chr7:152,230,259-152,230,262, AACT duplicated on the plus strand (AGTT on the coding strand, the reverse complement: KMT2C is on the minus strand). VCF-style (leftmost placement, unchanged base first): chr7-152230258-C-CAACT. GRCh37 (hg19) VCF-style: chr7-151927343-C-CAACT.
Other names: short protein forms V945fs.
Identifiers: ClinVar variation 1709075 (VCV001709075.1), dbSNP rs2485738685, ClinGen allele CA2580077723.

ClinVar aggregate classification (germline): Pathogenic (1 of 4 stars; one submission).

Conditions:
Kleefstra syndrome 2 (KLEFS2). Identifiers: MedGen C4540395, MONDO:0054701, OMIM 617768.

Submission:

MGZ Medical Genetics Center
Classification: Pathogenic for Kleefstra syndrome 2. Last evaluated: 2022-01-07. Review status: criteria provided, single submitter. Criteria: ACMG Guidelines, 2015. Collection method: clinical testing. Allele origin: germline. Affected: yes. Observed: 1 variant allele.
Comment: ACMG criteria applied: PVS1, PS2_SUP, PM2_SUP